The following is an entry in ClinVar:

NM_001042492.3(NF1):c.7457+21A>G

Gene: NF1 (neurofibromin 1; plus strand). Cytogenetic location: 17q11.2.
Variant type: single nucleotide variant.
Coding change: c.7457+21A>G on transcript NM_001042492.3 (MANE Select); 21 bases into the intron after coding-DNA position 7457, A replaced by G.
Molecular consequence: intron variant.
Genome position (GRCh38, 1-based): chr17:31,350,339, A>G. VCF-style: chr17-31350339-A-G. GRCh37 (hg19) VCF-style: chr17-29677357-A-G.
Other names: c.7394+21A>G (NM_000267.4).
Identifiers: ClinVar variation 561478 (VCV000561478.10), dbSNP rs17881641, ClinGen allele CA8487579.

ClinVar aggregate classification (germline): Benign/Likely benign. Review status: criteria provided, multiple submitters, no conflicts (2 of 4 stars). 2 submissions from 2 submitters: Benign (1); Likely benign (1). Last evaluated 2018-08-07.

Allele frequency attached by ClinVar (database versions not stated): ESP Exome Variant Server 0.01053; 1000 Genomes Project 30x 0.01390; 1000 Genomes Project 0.01278; TOPMed 0.01015.
gnomAD v4.1: 2,768 of 1,602,294 alleles (0.17%); highest among the groups gnomAD compares: African/African-American, 3.2%; 40 homozygotes.

Submissions (4):

ARUP Laboratories, Molecular Genetics and Genomics, ARUP Laboratories
Classification: Benign. Last evaluated: 2018-08-07. Review status: criteria provided, single submitter. Criteria: ARUP Molecular Germline Variant Investigation Process. Collection method: clinical testing. Allele origin: germline.

GeneDx
Classification: Likely benign. Last evaluated: 2018-06-18. Review status: criteria provided, single submitter. Criteria: GeneDx Variant Classification (06012015). Collection method: clinical testing. Allele origin: germline. Affected: yes.
Comment: This variant is considered likely benign or benign based on one or more of the following criteria: it is a conservative change, it occurs at a poorly conserved position in the protein, it is predicted to be benign by multiple in silico algorithms, and/or has population frequency not consistent with disease.

Dr. Peter K. Rogan Lab, Western University
No classification provided (evidence only). Condition: Uterine corpus endometrial carcinoma. Review status: no classification provided. Collection method: in vitro. Allele origin: not applicable. Functional consequence: retained intron. Not counted in ClinVar's aggregate classification.

Dr. Peter K. Rogan Lab, Western University
No classification provided (evidence only). Condition: Uterine corpus endometrial carcinoma. Review status: no classification provided. Collection method: in vitro. Allele origin: not applicable. Functional consequence: retained intron. Not counted in ClinVar's aggregate classification.